The following is an entry in ClinVar:

ClinVar aggregate classification (germline): Benign/Likely benign. Review status: criteria provided, multiple submitters, no conflicts (2 of 4 stars). 10 submissions from 10 submitters: Benign (6); Likely benign (3). 1 of the submissions does not count toward it. Last evaluated 2026-02-04.

Conditions:
Nephrotic syndrome, type 2 (NPHS2). Also called: NEPHROTIC SYNDROME, STEROID-RESISTANT, AUTOSOMAL RECESSIVE. Identifiers: Orphanet 656, MedGen C1868672, MONDO:0010974, OMIM 600995.
Steroid-resistant nephrotic syndrome. Identifiers: MedGen C0403397, MONDO:0044765, HP:0012588.

Allele frequency attached by ClinVar (database versions not stated): 1000 Genomes Project 0.07109; gnomAD exomes 0.07344 and 0.08425; 1000 Genomes Project 30x 0.07386; ExAC 0.07447; TOPMed 0.07980; gnomAD 0.08404 and 0.08705; ESP Exome Variant Server 0.08927.
gnomAD v4.1: 135,724 of 1,612,474 alleles (8.4%); highest among the groups gnomAD compares: Non-Finnish European, 9%; 6,307 homozygotes.

Submissions (10):

Labcorp Genetics (formerly Invitae), Labcorp
Classification: Benign. Last evaluated: 2026-02-04. Review status: criteria provided, single submitter. Criteria: Invitae Variant Classification Sherloc (09022015). Collection method: clinical testing. Allele origin: germline.

Blueprint Genetics
Classification: Benign. Last evaluated: 2024-11-26. Review status: criteria provided, single submitter. Criteria: ACMG Guidelines, 2015. Collection method: clinical testing. Allele origin: germline.

Genome-Nilou Lab
Classification: Likely benign for Nephrotic syndrome, type 2. Last evaluated: 2023-04-11. Review status: criteria provided, single submitter. Criteria: ACMG Guidelines, 2015. Collection method: clinical testing. Allele origin: germline. Affected: no.

Mayo Clinic Laboratories, Mayo Clinic
Classification: Benign. Last evaluated: 2022-03-09. Review status: criteria provided, single submitter. Criteria: ACMG Guidelines, 2015. Collection method: clinical testing. Allele origin: germline. Observed: 23 variant alleles.

GeneDx
Classification: Benign. Last evaluated: 2020-01-06. Review status: criteria provided, single submitter. Criteria: GeneDx Variant Classification Process June 2021. Collection method: clinical testing. Allele origin: germline. Affected: yes.

Illumina Laboratory Services, Illumina
Classification: Likely benign for Nephrotic syndrome, type 2. Last evaluated: 2018-03-06. Review status: criteria provided, single submitter. Criteria: ICSL Variant Classification Criteria 13 December 2019. Collection method: clinical testing. Allele origin: germline.
Comment: This variant was observed in the ICSL laboratory as part of a predisposition screen in an ostensibly healthy population. It had not been previously curated by ICSL or reported in the Human Gene Mutation Database (HGMD: prior to June 1st, 2018), and was therefore a candidate for classification through an automated scoring system. Utilizing variant allele frequency, disease prevalence and penetrance estimates, and inheritance mode, an automated score was calculated to assess if this variant is too frequent to cause the disease. Based on the score and internal cut-off values, a variant classified as likely benign is not then subjected to further curation. The score for this variant resulted in a classification of likely benign for this disease.

Athena Diagnostics
Classification: Benign for Nephrotic syndrome, type 2. Last evaluated: 2017-04-29. Review status: criteria provided, single submitter. Criteria: Athena Diagnostics Criteria. Collection method: clinical testing. Allele origin: germline.

Breakthrough Genomics
Classification: Likely benign. Review status: criteria provided, single submitter. Criteria: ACMG Guidelines, 2015. Collection method: not provided. Allele origin: germline. Inheritance: Autosomal recessive inheritance. Affected: yes.

PreventionGenetics, part of Exact Sciences
Classification: Benign. Review status: criteria provided, single submitter. Criteria: ACMG Guidelines, 2015. Collection method: clinical testing. Allele origin: germline.

Natera, Inc.
Classification: Benign for Steroid-resistant nephrotic syndrome. Last evaluated: 2020-09-16. Review status: no assertion criteria provided. Collection method: clinical testing. Allele origin: germline. Not counted in ClinVar's aggregate classification.

Literature cited by the submitters: PubMed 11805166 (cited by Athena Diagnostics); PubMed 12707396 (cited by Athena Diagnostics).

NM_014625.4(NPHS2):c.288C>T (p.Ser96=)

Gene: NPHS2 (NPHS2 stomatin family member, podocin; minus strand). Cytogenetic location: 1q25.2.
Variant type: single nucleotide variant.
Coding change: c.288C>T on transcript NM_014625.4 (MANE Select); coding-DNA position 288, C replaced by T.
Protein change: p.Ser96=; no amino-acid change (serine 96 retained).
Molecular consequence: synonymous variant.
Genome position (GRCh38, 1-based): chr1:179,564,780, G>A on the plus strand (C>T on the coding strand, the complement: NPHS2 is on the minus strand). VCF-style: chr1-179564780-G-A. GRCh37 (hg19) VCF-style: chr1-179533915-G-A.
Other names: p.Ser96=; c.288C>T, p.Ser96= (NM_001297575.2).
Identifiers: ClinVar variation 260426 (VCV000260426.21), dbSNP rs3738423, ClinGen allele CA1267264.